The following is an entry in ClinVar:

ClinVar aggregate classification (germline): Uncertain significance. Review status: criteria provided, multiple submitters, no conflicts (2 of 4 stars). 2 submissions from 2 submitters: Uncertain significance (2). Last evaluated 2025-12-20.

Conditions:
Familial cancer of breast. Also called: BREAST CANCER, FAMILIAL; Hereditary breast cancer; hereditary breast carcinoma. Identifiers: Orphanet 227535, MedGen C0346153, MONDO:0016419, OMIM 114480. Disease mechanism: loss of function.

Submissions (2):

Labcorp Genetics (formerly Invitae), Labcorp
Classification: Uncertain significance for Familial cancer of breast. Last evaluated: 2025-12-20. Review status: criteria provided, single submitter. Criteria: Invitae Variant Classification Sherloc (09022015). Collection method: clinical testing. Allele origin: germline.
Comment: This sequence change falls in intron 11 of the PALB2 gene. It does not directly change the encoded amino acid sequence of the PALB2 protein. RNA analysis indicates that this variant induces altered splicing and may result in an absent or altered protein product. This variant is not present in population databases (gnomAD no frequency). This variant has not been reported in the literature in individuals affected with PALB2-related conditions. ClinVar contains an entry for this variant (Variation ID: 2078284). Studies have shown that this variant results in activation of a cryptic splice site, and produces a non-functional protein and/or introduces a premature termination codon (internal data). In summary, the available evidence is currently insufficient to determine the role of this variant in disease. Therefore, it has been classified as a Variant of Uncertain Significance.

GeneDx
Classification: Uncertain significance. Last evaluated: 2023-11-02. Review status: criteria provided, single submitter. Criteria: GeneDx Variant Classification Process June 2021. Collection method: clinical testing. Allele origin: germline. Affected: yes.
Comment: Not observed at significant frequency in large population cohorts (gnomAD); Has not been previously published as pathogenic or benign to our knowledge; In silico analysis is inconclusive as to whether the variant alters gene splicing. In the absence of RNA/functional studies, the actual effect of this sequence change is unknown.

NM_024675.4(PALB2):c.3202-15_3202-13del

Gene: PALB2 (partner and localizer of BRCA2; minus strand). Cytogenetic location: 16p12.2.
Variant type: Deletion.
Coding change: c.3202-15_3202-13del on transcript NM_024675.4 (MANE Select); 15 bases into the intron before coding-DNA position 3202 through 13 bases into the intron before coding-DNA position 3202, 3 bases deleted (TTT; older notation c.3202-15_3202-13delTTT).
Molecular consequence: intron variant.
Genome position (GRCh38, 1-based): chr16:23,608,025-23,608,027, AAA deleted on the plus strand (TTT on the coding strand, the reverse complement: PALB2 is on the minus strand); deleting any 3 consecutive bases within chr16:23,608,025-23,608,029 gives the same sequence; the c. name uses the placement nearest the transcript's 3' end. VCF-style (leftmost placement, unchanged base first): chr16-23608024-GAAA-G. GRCh37 (hg19) VCF-style: chr16-23619345-GAAA-G.
Identifiers: ClinVar variation 2078284 (VCV002078284.5), dbSNP rs2506219834, ClinGen allele CA2575946247.